The following is an entry in ClinVar:

ClinVar aggregate classification (germline): Pathogenic (1 of 4 stars; one submission).

Conditions:
Autosomal recessive limb-girdle muscular dystrophy type 2A (LGMDR1). Also called: Limb-girdle muscular dystrophy, type 2A; LEYDEN-MOEBIUS MUSCULAR DYSTROPHY; MUSCULAR DYSTROPHY, PELVOFEMORAL; Calpainopathy; Muscular dystrophy, limb-girdle, type 2A, Amish. Identifiers: Orphanet 267, MedGen C1869123, MONDO:0009675, OMIM 253600. Disease mechanism: loss of function.

Submission:

Labcorp Genetics (formerly Invitae), Labcorp
Classification: Pathogenic for Autosomal recessive limb-girdle muscular dystrophy type 2A. Last evaluated: 2021-02-22. Review status: criteria provided, single submitter. Criteria: Invitae Variant Classification Sherloc (09022015). Collection method: clinical testing. Allele origin: germline.
Comment: The region of the CAPN3 gene that includes exon(s) 17-19 has been determined to be clinically significant (PMID: 29685414, Invitae). Therefore, deletions that encompass that region are likely to disrupt protein function and cause disease. For these reasons, this variant has been classified as Pathogenic. This variant has not been reported in the literature in individuals with CAPN3-related conditions. This variant is a gross deletion of the genomic region encompassing exon(s) 15-24 of the CAPN3 gene. The 5' boundary is likely confined to intron 14. The 3' end of this event is unknown as it extends through the termination codon beyond the assayed region for this gene and may encompass additional genes. While this deletion is not anticipated to lead to nonsense mediated decay, it is expected to alter mRNA translation or result in a truncated protein product.

Literature cited by the submitters: PubMed 29685414.

NC_000015.9:g.(?_42698114)_(42703981_?)del

Gene: CAPN3 (calpain 3; plus strand). Cytogenetic location: 15q15.1.
Variant type: Deletion.
Identifiers: ClinVar variation 1457794 (VCV001457794.8).